The following is an entry in ClinVar:

NM_001352754.2(ARMC9):c.705G>C (p.Gln235His)

Gene: ARMC9 (armadillo repeat containing 9; plus strand). Cytogenetic location: 2q37.1.
Variant type: single nucleotide variant.
Coding change: c.705G>C on transcript NM_001352754.2 (MANE Select); coding-DNA position 705, G replaced by C.
Protein change: p.Gln235His; replaces glutamine 235 with histidine.
Molecular consequence: missense variant. On other transcripts: non-coding transcript variant (1).
Genome position (GRCh38, 1-based): chr2:231,235,306, G>C. VCF-style: chr2-231235306-G-C. GRCh37 (hg19) VCF-style: chr2-232100019-G-C.
Other names: c.705G>C, p.Gln235His (NM_001271466.4, NM_001291656.2, NM_001352755.2 and 5 more transcripts); short protein forms Q235H.
Identifiers: ClinVar variation 1026285 (VCV001026285.8), dbSNP rs1004866000, ClinGen allele CA66833052.

ClinVar aggregate classification (germline): Uncertain significance (1 of 4 stars; one submission).

Allele frequency attached by ClinVar (database versions not stated): gnomAD exomes below 0.00001; gnomAD 0.00001; TOPMed 0.00001.
gnomAD v4.1: 2 of 1,614,116 alleles (0.00012%); highest among the groups gnomAD compares: African/African-American, 0.0027%; no homozygotes.

Submission:

Labcorp Genetics (formerly Invitae), Labcorp
Classification: Uncertain significance. Last evaluated: 2022-06-13. Review status: criteria provided, single submitter. Criteria: Invitae Variant Classification Sherloc (09022015). Collection method: clinical testing. Allele origin: germline.
Comment: ClinVar contains an entry for this variant (Variation ID: 1026285). This variant has not been reported in the literature in individuals affected with ARMC9-related conditions. This variant is present in population databases (no rsID available, gnomAD 0.01%). This sequence change replaces glutamine, which is neutral and polar, with histidine, which is basic and polar, at codon 235 of the ARMC9 protein (p.Gln235His). Experimental studies and prediction algorithms are not available or were not evaluated, and the functional significance of this variant is currently unknown. In summary, the available evidence is currently insufficient to determine the role of this variant in disease. Therefore, it has been classified as a Variant of Uncertain Significance.